The following is an entry in ClinVar:

NM_000137.4(FAH):c.933G>A (p.Ala311=)

Gene: FAH (fumarylacetoacetate hydrolase; plus strand). Cytogenetic location: 15q25.1.
Variant type: single nucleotide variant.
Coding change: c.933G>A on transcript NM_000137.4 (MANE Select); coding-DNA position 933, G replaced by A.
Protein change: p.Ala311=; no amino-acid change (alanine 311 retained).
Molecular consequence: synonymous variant.
Genome position (GRCh38, 1-based): chr15:80,177,556, G>A. VCF-style: chr15-80177556-G-A. GRCh37 (hg19) VCF-style: chr15-80469898-G-A.
Other names: c.933G>A, p.Ala311= (NM_001374377.1, NM_001374380.1); c.933G>A (NM_000137.2).
Identifiers: ClinVar variation 1079939 (VCV001079939.11), dbSNP rs375166793, ClinGen allele CA7691406.
Genomic context (GRCh38, chr15:80,177,556, plus strand): 5'-TGGAATTAAGTTTTCATCAATATTGCTTTTCTTTCCAACAGGAGAAGGAATGAGCCAGGC[G>A]GCTACCATATGCAAGTCCAATTTTAAGGTAAGCTTTGACGCTGATCAGACTGCTTTTTAG-3'
Protein context (NP_000128.1, residues 301-321): VNLKGEGMSQ[Ala311=]ATICKSNFKY

ClinVar aggregate classification (germline): Likely benign. Review status: criteria provided, single submitter (1 of 4 stars). 2 submissions from 2 submitters: Likely benign (1). 1 of the submissions does not count toward it. Last evaluated 2026-01-11.

Conditions:
FAH-related disorder. Also called: FAH-related condition.
Tyrosinemia type I (TYRSN1). Also called: HEPATORENAL TYROSINEMIA; Tyrosinemia type 1; Fumarylacetoacetase deficiency; Deficiency of fumarylacetoacetase; FAH DEFICIENCY. Identifiers: Orphanet 882, MedGen C0268490, MONDO:0010161, OMIM 276700. Disease mechanism: loss of function.

Allele frequency attached by ClinVar (database versions not stated): gnomAD 0.00001; gnomAD exomes 0.00002; TOPMed 0.00002; ExAC 0.00003; ESP Exome Variant Server 0.00008.
gnomAD v4.1: 19 of 1,613,958 alleles (0.0012%); highest among the groups gnomAD compares: South Asian, 0.0022%; no homozygotes.

Submissions (2):

Labcorp Genetics (formerly Invitae), Labcorp
Classification: Likely benign for Tyrosinemia type I. Last evaluated: 2026-01-11. Review status: criteria provided, single submitter. Criteria: Invitae Variant Classification Sherloc (09022015). Collection method: clinical testing. Allele origin: germline.

PreventionGenetics, part of Exact Sciences
Classification: Likely benign for FAH-related condition. Last evaluated: 2023-07-18. Review status: no assertion criteria provided. Collection method: clinical testing. Allele origin: germline. Not counted in ClinVar's aggregate classification.
Comment: This variant is classified as likely benign based on ACMG/AMP sequence variant interpretation guidelines (Richards et al. 2015 PMID: 25741868, with internal and published modifications).